The following is an entry in ClinVar:

ClinVar aggregate classification (germline): Pathogenic. Review status: criteria provided, multiple submitters, no conflicts (2 of 4 stars). 2 submissions from 2 submitters: Pathogenic (2). Last evaluated 2023-10-30.

Conditions:
Gorlin syndrome. Also called: Basal cell nevus syndrome; Nevoid Basal Cell Carcinoma Syndrome. Identifiers: Orphanet 377, MedGen C0004779, MONDO:0007187.

Submissions (2):

Labcorp Genetics (formerly Invitae), Labcorp
Classification: Pathogenic for Gorlin syndrome. Last evaluated: 2023-10-30. Review status: criteria provided, single submitter. Criteria: Invitae Variant Classification Sherloc (09022015). Collection method: clinical testing. Allele origin: germline.
Comment: This sequence change creates a premature translational stop signal (p.Leu87Phefs*3) in the PTCH1 gene. It is expected to result in an absent or disrupted protein product. Loss-of-function variants in PTCH1 are known to be pathogenic (PMID: 16301862, 16419085). This variant is not present in population databases (gnomAD no frequency). This variant has not been reported in the literature in individuals affected with PTCH1-related conditions. ClinVar contains an entry for this variant (Variation ID: 1074204). For these reasons, this variant has been classified as Pathogenic.

CeGaT Center for Human Genetics Tuebingen
Classification: Pathogenic. Last evaluated: 2023-04-01. Review status: criteria provided, single submitter. Criteria: CeGaT Center For Human Genetics Tuebingen Variant Classification Criteria Version 2. Collection method: clinical testing. Allele origin: germline. Affected: yes. Observed: 1 variant allele.
Comment: PTCH1: PVS1, PM2

Literature cited by the submitters: PubMed 16301862 (cited by Labcorp Genetics (formerly Invitae), Labcorp); PubMed 16419085 (cited by Labcorp Genetics (formerly Invitae), Labcorp).

NM_000264.5(PTCH1):c.260dup (p.Leu87fs)

Gene: PTCH1 (patched 1; minus strand). Cytogenetic location: 9q22.32.
Variant type: Duplication.
Coding change: c.260dup on transcript NM_000264.5 (MANE Select); coding-DNA position 260, one base duplicated (T; older notation c.260dupT).
Protein change: p.Leu87fs; shifts the reading frame from leucine 87.
Molecular consequence: frameshift variant. On other transcripts: 5 prime UTR variant (4), non-coding transcript variant (1).
Genome position (GRCh38, 1-based): chr9:95,506,541, A duplicated on the plus strand (T on the coding strand, the reverse complement: PTCH1 is on the minus strand); the first of 2 consecutive A bases (chr9:95,506,541-95,506,542); duplicating either gives the same sequence. VCF-style (leftmost placement, unchanged base first): chr9-95506540-T-TA. GRCh37 (hg19) VCF-style: chr9-98268822-T-TA.
Other names: c.62dup, p.Leu21fs (NM_001083602.3, NM_001354919.2); c.257dup, p.Leu86fs (NM_001083603.3); c.-194dup (NM_001083604.3, NM_001083605.3, NM_001083606.3 and 1 more transcripts); c.260dup, p.Leu87fs (NM_001354918.2); short protein forms L21fs, L86fs, L87fs.
Identifiers: ClinVar variation 1074204 (VCV001074204.34), dbSNP rs2118879524, ClinGen allele CA2499220072.
Genomic context (GRCh38, chr9:95,506,540, plus strand): 5'-GAGGAGGCCCACAACCAAGAACTTGCCGCAGTTTTTTTGAATGTAACAACCCAGTTTAAA[T>TA]AAGAGTCTCTGAAACTTCGCTCTCAGCCACAGCGGCGCTTTCCGGCCAGTAGCCTTCCCC-3'